The following is an entry in ClinVar:

NM_000334.4(SCN4A):c.1953C>G (p.Thr651=)

Gene: SCN4A (sodium voltage-gated channel alpha subunit 4; minus strand). Cytogenetic location: 17q23.3.
Variant type: single nucleotide variant.
Coding change: c.1953C>G on transcript NM_000334.4 (MANE Select); coding-DNA position 1953, C replaced by G.
Protein change: p.Thr651=; no amino-acid change (threonine 651 retained).
Molecular consequence: synonymous variant.
Genome position (GRCh38, 1-based): chr17:63,959,331, G>C on the plus strand (C>G on the coding strand, the complement: SCN4A is on the minus strand). VCF-style: chr17-63959331-G-C. GRCh37 (hg19) VCF-style: chr17-62036691-G-C.
Identifiers: ClinVar variation 4984660 (VCV004984660.1).

ClinVar aggregate classification (germline): Likely benign (1 of 4 stars; one submission).

Conditions:
SCN4A-related disorder. Also called: SCN4A-related disorders.

Submission:

PreventionGenetics, part of Exact Sciences
Classification: Likely benign for SCN4A-related condition. Last evaluated: 2025-01-03. Review status: criteria provided, single submitter. Criteria: ACMG Guidelines, 2015. Collection method: clinical testing. Allele origin: germline.
Comment: This variant is classified as likely benign based on ACMG/AMP sequence variant interpretation guidelines (Richards et al. 2015 PMID: 25741868, with internal and published modifications).